The following is an entry in ClinVar:

NC_000012.11:g.(?_111064147)_(111074326_?)del

Gene: TCTN1 (tectonic family member 1; plus strand). Cytogenetic location: 12q24.11.
Variant type: Deletion.
Identifiers: ClinVar variation 2423665 (VCV002423665.6).

ClinVar aggregate classification (germline): Pathogenic (1 of 4 stars; one submission).

Conditions:
Joubert syndrome. Also called: CEREBELLOPARENCHYMAL DISORDER IV; JOUBERT-BOLTSHAUSER SYNDROME; Familial aplasia of the vermis. Identifiers: Orphanet 475, MedGen C5979921, MONDO:0018772.
Meckel-Gruber syndrome. Also called: DYSENCEPHALIA SPLANCHNOCYSTICA; GRUBER SYNDROME; Dysencephalia splachnocystica. Identifiers: Orphanet 564, MedGen C0265215, MONDO:0018921.

Submission:

Labcorp Genetics (formerly Invitae), Labcorp
Classification: Pathogenic for Joubert syndrome; Meckel-Gruber syndrome. Last evaluated: 2022-02-11. Review status: criteria provided, single submitter. Criteria: Invitae Variant Classification Sherloc (09022015). Collection method: clinical testing. Allele origin: germline.
Comment: This variant is a gross deletion of the genomic region encompassing exon(s) 3-7 of the TCTN1 gene. This deletion is out-of-frame, and is expected to create a premature termination codon and result in an absent or disrupted protein product. Loss-of-function variants in TCTN1 are known to be pathogenic (PMID: 21725307, 22693042, 27894351). This variant has not been reported in the literature in individuals affected with TCTN1-related conditions. For these reasons, this variant has been classified as Pathogenic.

Literature cited by the submitters: PubMed 21725307; PubMed 22693042; PubMed 27894351.